The following is an entry in ClinVar:

NM_032578.4(MYPN):c.1411G>A (p.Glu471Lys)

Gene: MYPN (myopalladin; plus strand). Cytogenetic location: 10q21.3.
Variant type: single nucleotide variant.
Coding change: c.1411G>A on transcript NM_032578.4 (MANE Select); coding-DNA position 1411, G replaced by A.
Protein change: p.Glu471Lys; replaces glutamic acid 471 with lysine.
Molecular consequence: missense variant. On other transcripts: non-coding transcript variant (2).
Genome position (GRCh38, 1-based): chr10:68,158,579, G>A. VCF-style: chr10-68158579-G-A. GRCh37 (hg19) VCF-style: chr10-69918336-G-A.
Other names: c.1411G>A, p.Glu471Lys (NM_001256267.2); c.529G>A, p.Glu177Lys (NM_001256268.2); c.1411G>A (NM_032578.2); short protein forms E177K, E471K.
Identifiers: ClinVar variation 936964 (VCV000936964.11), dbSNP rs2042921189, ClinGen allele CA376834764.
Genomic context (GRCh38, chr10:68,158,579, plus strand): 5'-CTGGTTGTCTTTGAATGCAGAGTAAAAGGAGCTCCATCTCCTAAGGTTGAGTGGTATAGA[G>A]AAGGGACTTTAATAGAAGATTCTCCAGATTTTAGGATTTTACAGAAAAGTAAGTTAATAC-3'
Protein context (NP_115967.2, residues 461-481): APSPKVEWYR[Glu471Lys]GTLIEDSPDF

ClinVar aggregate classification (germline): Uncertain significance. Review status: criteria provided, multiple submitters, no conflicts (2 of 4 stars). 3 submissions from 3 submitters: Uncertain significance (2). 1 of the submissions does not count toward it. Last evaluated 2024-08-25.

Conditions:
Cardiovascular phenotype. Identifiers: MedGen CN230736.
Dilated cardiomyopathy 1KK (CMD1KK). Identifiers: Orphanet 154, Orphanet 75249, MedGen C3714995, MONDO:0014100, OMIM 615248.
MYPN-related disorder. Also called: MYPN-related condition.

Allele frequency attached by ClinVar (database versions not stated): gnomAD exomes below 0.00001.
gnomAD v4.1: 2 of 1,607,012 alleles (0.00012%); highest among the groups gnomAD compares: African/African-American, 0.0013%; no homozygotes.

Submissions (3):

Ambry Genetics
Classification: Uncertain significance for Cardiovascular phenotype. Last evaluated: 2024-08-25. Review status: criteria provided, single submitter. Criteria: Ambry Variant Classification Scheme 2023. Collection method: clinical testing. Allele origin: germline.
Comment: The p.E471K variant (also known as c.1411G>A), located in coding exon 6 of the MYPN gene, results from a G to A substitution at nucleotide position 1411. The glutamic acid at codon 471 is replaced by lysine, an amino acid with similar properties. This amino acid position is conserved. In addition, the in silico prediction for this alteration is inconclusive. Based on the available evidence, the clinical significance of this variant remains unclear.

Labcorp Genetics (formerly Invitae), Labcorp
Classification: Uncertain significance for Dilated cardiomyopathy 1KK. Last evaluated: 2022-11-15. Review status: criteria provided, single submitter. Criteria: Invitae Variant Classification Sherloc (09022015). Collection method: clinical testing. Allele origin: germline.
Comment: This sequence change replaces glutamic acid, which is acidic and polar, with lysine, which is basic and polar, at codon 471 of the MYPN protein (p.Glu471Lys). This variant is not present in population databases (gnomAD no frequency). This variant has not been reported in the literature in individuals affected with MYPN-related conditions. ClinVar contains an entry for this variant (Variation ID: 936964). Algorithms developed to predict the effect of missense changes on protein structure and function are either unavailable or do not agree on the potential impact of this missense change (SIFT: "Tolerated"; PolyPhen-2: "Probably Damaging"; Align-GVGD: "Class C0"). In summary, the available evidence is currently insufficient to determine the role of this variant in disease. Therefore, it has been classified as a Variant of Uncertain Significance.

PreventionGenetics, part of Exact Sciences
Classification: Uncertain significance for MYPN-related condition. Last evaluated: 2024-07-23. Review status: no assertion criteria provided. Collection method: clinical testing. Allele origin: germline. Not counted in ClinVar's aggregate classification.
Comment: The MYPN c.1411G>A variant is predicted to result in the amino acid substitution p.Glu471Lys. To our knowledge, this variant has not been reported in the literature or in a large population database, indicating this variant is rare. At this time, the clinical significance of this variant is uncertain due to the absence of conclusive functional and genetic evidence.